The following is an entry in ClinVar:

NM_020821.3(VPS13C):c.8238A>G (p.Thr2746=)

Gene: VPS13C (vacuolar protein sorting 13 homolog C; minus strand). Cytogenetic location: 15q22.2.
Variant type: single nucleotide variant.
Coding change: c.8238A>G on transcript NM_020821.3 (MANE Select); coding-DNA position 8238, A replaced by G.
Protein change: p.Thr2746=; no amino-acid change (threonine 2746 retained).
Molecular consequence: synonymous variant.
Genome position (GRCh38, 1-based): chr15:61,915,840, T>C on the plus strand (A>G on the coding strand, the complement: VPS13C is on the minus strand). VCF-style: chr15-61915840-T-C. GRCh37 (hg19) VCF-style: chr15-62208039-T-C.
Other names: c.8238A>G, p.Thr2746= (NM_001018088.3); c.8109A>G, p.Thr2703= (NM_017684.5, NM_018080.4).
Identifiers: ClinVar variation 709146 (VCV000709146.12), dbSNP rs35606606, ClinGen allele CA7595049.

ClinVar aggregate classification (germline): Benign. Review status: criteria provided, multiple submitters, no conflicts (2 of 4 stars). 3 submissions from 3 submitters: Benign (3). Last evaluated 2026-04-13.

Conditions:
VPS13C-related disorder. Also called: VPS13C-related condition.

Allele frequency attached by ClinVar (database versions not stated): gnomAD exomes 0.00043 and 0.00123; ExAC 0.00146; gnomAD 0.00443 and 0.00479; 1000 Genomes Project 30x 0.00515; TOPMed 0.00518; 1000 Genomes Project 0.00539; ESP Exome Variant Server 0.00646.
gnomAD v4.1: 1,348 of 1,613,996 alleles (0.084%); highest among the groups gnomAD compares: African/African-American, 1.6%; 12 homozygotes.

Submissions (3):

PreventionGenetics, part of Exact Sciences
Classification: Benign for VPS13C-related condition. Last evaluated: 2026-04-13. Review status: criteria provided, single submitter. Criteria: ACMG Guidelines, 2015. Collection method: clinical testing. Allele origin: germline.
Comment: This variant is classified as benign based on ACMG/AMP sequence variant interpretation guidelines (Richards et al. 2015 PMID: 25741868, with internal and published modifications).

Labcorp Genetics (formerly Invitae), Labcorp
Classification: Benign. Last evaluated: 2025-12-22. Review status: criteria provided, single submitter. Criteria: Invitae Variant Classification Sherloc (09022015). Collection method: clinical testing. Allele origin: germline.

Breakthrough Genomics
Classification: Benign. Review status: criteria provided, single submitter. Criteria: ACMG Guidelines, 2015. Collection method: not provided. Allele origin: germline. Inheritance: Autosomal recessive inheritance. Affected: yes.